The following is an entry in ClinVar:

NM_000501.4(ELN):c.576T>G (p.Val192=)

Gene: ELN (elastin; plus strand). Cytogenetic location: 7q11.23.
Variant type: single nucleotide variant.
Coding change: c.576T>G on transcript NM_000501.4 (MANE Select); coding-DNA position 576, T replaced by G.
Protein change: p.Val192=; no amino-acid change (valine 192 retained).
Molecular consequence: synonymous variant.
Genome position (GRCh38, 1-based): chr7:74,046,700, T>G. VCF-style: chr7-74046700-T-G. GRCh37 (hg19) VCF-style: chr7-73461030-T-G.
Other names: c.546T>G, p.Val182= (NM_001081752.3, NM_001278917.2); c.591T>G, p.Val197= (NM_001081753.3, NM_001081754.3); c.576T>G, p.Val192= (NM_001081755.3, NM_001278912.2, NM_001278915.2 and 2 more transcripts); c.510T>G, p.Val170= (NM_001278913.2); c.561T>G, p.Val187= (NM_001278914.2); c.444T>G, p.Val148= (NM_001278918.2).
Identifiers: ClinVar variation 3053213 (VCV003053213.2), dbSNP rs1335063794, ClinGen allele CA455883304.

ClinVar aggregate classification (germline): Likely benign (0 of 4 stars; one submission).

Conditions:
ELN-related disorder.

Allele frequency attached by ClinVar (database versions not stated): gnomAD exomes below 0.00001; TOPMed below 0.00001; gnomAD 0.00001.

Submission:

PreventionGenetics, part of Exact Sciences
Classification: Likely benign for ELN-related condition. Last evaluated: 2023-05-17. Review status: no assertion criteria provided. Collection method: clinical testing. Allele origin: germline.
Comment: This variant is classified as likely benign based on ACMG/AMP sequence variant interpretation guidelines (Richards et al. 2015 PMID: 25741868, with internal and published modifications).